The following is an entry in ClinVar:

NM_001114134.2(EPB42):c.1641_1648del (p.Phe548fs)

Gene: EPB42 (erythrocyte membrane protein band 4.2; minus strand). Cytogenetic location: 15q15.2.
Variant type: Deletion.
Coding change: c.1641_1648del on transcript NM_001114134.2 (MANE Select); coding-DNA positions 1641 to 1648, 8 bases deleted (GTTCTTCT; older notation c.1641_1648delGTTCTTCT).
Protein change: p.Phe548fs; shifts the reading frame from phenylalanine 548.
Molecular consequence: frameshift variant.
Genome position (GRCh38, 1-based): chr15:43,203,246-43,203,253, AGAAGAAC deleted on the plus strand (GTTCTTCT on the coding strand, the reverse complement: EPB42 is on the minus strand); deleting any 8 consecutive bases within chr15:43,203,246-43,203,255 gives the same sequence; the c. name uses the placement nearest the transcript's 3' end. VCF-style (leftmost placement, unchanged base first): chr15-43203245-GAGAAGAAC-G. GRCh37 (hg19) VCF-style: chr15-43495443-GAGAAGAAC-G.
Other names: c.1731_1738del, p.Phe578fs (NM_000119.3); short protein forms F548fs, F578fs.
Identifiers: ClinVar variation 2130840 (VCV002130840.4), dbSNP rs2542476473, ClinGen allele CA2580089431.
Genomic context (GRCh38, chr15:43,203,245, plus strand): 5'-TGTGTTGCCATGGCGGTGAGTCTAAGGAAGGTGTTCTCGGGTGGGTTTCGCTCAAAATTG[GAGAAGAAC>G]AGGCCGATGGTTATTATCTTTTCTGAAACACATGACAGGTGGAGTCAGTGGCAACAGGTG-3'

ClinVar aggregate classification (germline): Pathogenic (1 of 4 stars; one submission).

Submission:

Labcorp Genetics (formerly Invitae), Labcorp
Classification: Pathogenic. Last evaluated: 2022-04-26. Review status: criteria provided, single submitter. Criteria: Invitae Variant Classification Sherloc (09022015). Collection method: clinical testing. Allele origin: germline.
Comment: For these reasons, this variant has been classified as Pathogenic. This variant has not been reported in the literature in individuals affected with EPB42-related conditions. This variant is not present in population databases (gnomAD no frequency). This sequence change creates a premature translational stop signal (p.Phe578Glnfs*3) in the EPB42 gene. It is expected to result in an absent or disrupted protein product. Loss-of-function variants in EPB42 are known to be pathogenic (PMID: 7819064, 10629586, 20179084).

Literature cited by the submitters: PubMed 7819064; PubMed 10629586; PubMed 20179084.